The following is an entry in ClinVar:

NM_025114.4(CEP290):c.3439G>C (p.Glu1147Gln)

Gene: CEP290 (centrosomal protein 290; minus strand). Cytogenetic location: 12q21.32.
Variant type: single nucleotide variant.
Coding change: c.3439G>C on transcript NM_025114.4 (MANE Select); coding-DNA position 3439, G replaced by C.
Protein change: p.Glu1147Gln; replaces glutamic acid 1147 with glutamine.
Molecular consequence: missense variant.
Genome position (GRCh38, 1-based): chr12:88,092,703, C>G on the plus strand (G>C on the coding strand, the complement: CEP290 is on the minus strand). VCF-style: chr12-88092703-C-G. GRCh37 (hg19) VCF-style: chr12-88486480-C-G.
Other names: c.3439G>C (NM_025114.3); short protein forms E1147Q.
Identifiers: ClinVar variation 3575432 (VCV003575432.2).

ClinVar aggregate classification (germline): Uncertain significance. Review status: criteria provided, multiple submitters, no conflicts (2 of 4 stars). 2 submissions from 2 submitters: Uncertain significance (2). Last evaluated 2024-10-14.

Conditions:
CEP290-related disorder. Also called: CEP290-related condition; CEP290-related disorders. Identifiers: MedGen CN239314.
Leber congenital amaurosis 10 (LCA10). Identifiers: Orphanet 65, MedGen C1857821, MONDO:0012723, OMIM 611755.
Meckel syndrome, type 4 (MKS4). Also called: MECKEL-GRUBER SYNDROME, TYPE 4. Identifiers: Orphanet 564, MedGen C1970161, MONDO:0012626, OMIM 611134.
Senior-Loken syndrome 6 (SLSN6). Identifiers: Orphanet 3156, MedGen C1857779, MONDO:0012433, OMIM 610189.
Joubert syndrome 5 (JBTS5). Identifiers: Orphanet 2318, MedGen C1857780, MONDO:0012432, OMIM 610188.
Bardet-Biedl syndrome 14 (BBS14). Identifiers: Orphanet 110, MedGen C2673874, MONDO:0014442, OMIM 615991.

gnomAD v4.1: 26 of 1,608,504 alleles (0.0016%); highest among the groups gnomAD compares: South Asian, 0.028%; no homozygotes.

Submissions (2):

PreventionGenetics, part of Exact Sciences
Classification: Uncertain significance for CEP290-related condition. Last evaluated: 2024-10-14. Review status: criteria provided, single submitter. Criteria: ACMG Guidelines, 2015. Collection method: clinical testing. Allele origin: germline.
Comment: The CEP290 c.3439G>C variant is predicted to result in the amino acid substitution p.Glu1147Gln. To our knowledge, this variant has not been reported in the literature. This variant is reported in 0.027% of alleles in individuals of South Asian descent in gnomAD. At this time, the clinical significance of this variant is uncertain due to the absence of conclusive functional and genetic evidence.

Fulgent Genetics
Classification: Uncertain significance for Joubert syndrome 5; Senior-Loken syndrome 6; Meckel syndrome, type 4; Leber congenital amaurosis 10; Bardet-Biedl syndrome 14. Last evaluated: 2024-02-19. Review status: criteria provided, single submitter. Criteria: ACMG Guidelines, 2015. Collection method: clinical testing. Allele origin: germline.